The following is an entry in ClinVar:

NM_000369.5(TSHR):c.1033G>A (p.Asp345Asn)

Genes: TSHR (thyroid stimulating hormone receptor; plus strand), TSHR-AS1 (TSHR antisense RNA 1; minus strand). Cytogenetic location: 14q31.1.
Variant type: single nucleotide variant.
Coding change: c.1033G>A on transcript NM_000369.5 (MANE Select); coding-DNA position 1033, G replaced by A.
Protein change: p.Asp345Asn; replaces aspartic acid 345 with asparagine.
Molecular consequence: missense variant.
Genome position (GRCh38, 1-based): chr14:81,143,091, G>A. VCF-style: chr14-81143091-G-A. GRCh37 (hg19) VCF-style: chr14-81609435-G-A.
Other names: short protein forms D345N.
Identifiers: ClinVar variation 135397 (VCV000135397.1), dbSNP rs376188008, ClinGen allele CA162640.
Genomic context (GRCh38, chr14:81,143,091, plus strand): 5'-GAATATGAAGAGAATCTGGGTGACAGCATTGTTGGGTACAAGGAAAAGTCCAAGTTCCAG[G>A]ATACTCATAACAACGCTCATTATTACGTCTTCTTTGAAGAACAAGAGGATGAGATCATTG-3'
Protein context (NP_000360.2, residues 335-355): VGYKEKSKFQ[Asp345Asn]THNNAHYYVF

ClinVar aggregate classification (germline): not provided (0 of 4 stars; one submission).

Allele frequency attached by ClinVar (database versions not stated): TOPMed 0.00001; gnomAD exomes 0.00002; ESP Exome Variant Server 0.00008; ExAC 0.00001.
gnomAD v4.1: 29 of 1,614,136 alleles (0.0018%); highest among the groups gnomAD compares: Non-Finnish European, 0.0024%; no homozygotes.

Submission:

ITMI
No classification provided. Condition: AllHighlyPenetrant. Last evaluated: 2013-09-19. Review status: no classification provided. Collection method: reference population. Allele origin: germline.
Comment: Please see associated publication for description of ethnicities

Literature cited by the submitters: PubMed 24728327.